The following is an entry in ClinVar:

NM_002221.4(ITPKB):c.2833C>G (p.Leu945Val)

Gene: ITPKB (inositol-trisphosphate 3-kinase B; minus strand). Cytogenetic location: 1q42.12.
Variant type: single nucleotide variant.
Coding change: c.2833C>G on transcript NM_002221.4 (MANE Select); coding-DNA position 2833, C replaced by G.
Protein change: p.Leu945Val; replaces leucine 945 with valine.
Molecular consequence: missense variant.
Genome position (GRCh38, 1-based): chr1:226,634,679, G>C on the plus strand (C>G on the coding strand, the complement: ITPKB is on the minus strand). VCF-style: chr1-226634679-G-C. GRCh37 (hg19) VCF-style: chr1-226822380-G-C.
Other names: short protein forms L945V.
Identifiers: ClinVar variation 3038080 (VCV003038080.2), dbSNP rs41268733, ClinGen allele CA1423552.

ClinVar aggregate classification (germline): Likely benign (0 of 4 stars; one submission).

Conditions:
ITPKB-related disorder. Also called: ITPKB-related condition.

Allele frequency attached by ClinVar (database versions not stated): 1000 Genomes Project 30x 0.00047; 1000 Genomes Project 0.00060; gnomAD 0.00138; ESP Exome Variant Server 0.00208; gnomAD exomes 0.00208; ExAC 0.00210.
gnomAD v4.1: 1,578 of 826,106 alleles (0.19%); highest among the groups gnomAD compares: South Asian, 0.35%; 6 homozygotes.

Submission:

PreventionGenetics, part of Exact Sciences
Classification: Likely benign for ITPKB-related condition. Last evaluated: 2022-02-01. Review status: no assertion criteria provided. Collection method: clinical testing. Allele origin: germline.
Comment: This variant is classified as likely benign based on ACMG/AMP sequence variant interpretation guidelines (Richards et al. 2015 PMID: 25741868, with internal and published modifications).